The following is an entry in ClinVar:

ClinVar aggregate classification (germline): Uncertain significance. Review status: criteria provided, multiple submitters, no conflicts (2 of 4 stars). 2 submissions from 2 submitters: Uncertain significance (2). Last evaluated 2024-05-26.

Conditions:
Hereditary nonpolyposis colorectal neoplasms. Identifiers: MedGen C0009405, MeSH D003123.
Hereditary cancer-predisposing syndrome. Also called: Tumor predisposition; Hereditary Cancer Syndrome; Neoplastic Syndromes, Hereditary; Hereditary neoplastic syndrome. Identifiers: Orphanet 140162, MedGen C0027672, MeSH D009386, MONDO:0015356.

Submissions (2):

Labcorp Genetics (formerly Invitae), Labcorp
Classification: Uncertain significance for Hereditary nonpolyposis colorectal neoplasms. Last evaluated: 2024-05-26. Review status: criteria provided, single submitter. Criteria: Invitae Variant Classification Sherloc (09022015). Collection method: clinical testing. Allele origin: germline.
Comment: This sequence change replaces leucine, which is neutral and non-polar, with tryptophan, which is neutral and slightly polar, at codon 337 of the MSH6 protein (p.Leu337Trp). This variant is not present in population databases (gnomAD no frequency). This variant has not been reported in the literature in individuals affected with MSH6-related conditions. ClinVar contains an entry for this variant (Variation ID: 822008). Advanced modeling of protein sequence and biophysical properties (such as structural, functional, and spatial information, amino acid conservation, physicochemical variation, residue mobility, and thermodynamic stability) performed at Invitae indicates that this missense variant is not expected to disrupt MSH6 protein function with a negative predictive value of 95%. In summary, the available evidence is currently insufficient to determine the role of this variant in disease. Therefore, it has been classified as a Variant of Uncertain Significance.

Ambry Genetics
Classification: Uncertain significance for Hereditary cancer-predisposing syndrome. Last evaluated: 2024-03-12. Review status: criteria provided, single submitter. Criteria: Ambry Variant Classification Scheme 2023. Collection method: clinical testing. Allele origin: germline.
Comment: The p.L337W variant (also known as c.1010T>G), located in coding exon 4 of the MSH6 gene, results from a T to G substitution at nucleotide position 1010. The leucine at codon 337 is replaced by tryptophan, an amino acid with similar properties. This amino acid position is highly conserved in available vertebrate species. In addition, the in silico prediction for this alteration is inconclusive. Based on the available evidence, the clinical significance of this alteration remains unclear.

NM_000179.3(MSH6):c.1010T>G (p.Leu337Trp)

Gene: MSH6 (mutS homolog 6; plus strand). Cytogenetic location: 2p16.3.
Variant type: single nucleotide variant.
Coding change: c.1010T>G on transcript NM_000179.3 (MANE Select); coding-DNA position 1010, T replaced by G.
Protein change: p.Leu337Trp; replaces leucine 337 with tryptophan.
Molecular consequence: missense variant.
Genome position (GRCh38, 1-based): chr2:47,798,993, T>G. VCF-style: chr2-47798993-T-G. GRCh37 (hg19) VCF-style: chr2-48026132-T-G.
Other names: c.620T>G, p.Leu207Trp (NM_001281492.2); c.104T>G, p.Leu35Trp (NM_001281493.2, NM_001281494.2); short protein forms L207W, L337W, L35W.
Identifiers: ClinVar variation 822008 (VCV000822008.6), dbSNP rs1572721244, ClinGen allele CA346741255.
Genomic context (GRCh38, chr2:47,798,993, plus strand): 5'-AGGAAACGCCCTCAGCCACCAAACAAGCAACTAGCATTTCATCAGAAACCAAGAATACTT[T>G]GAGAGCTTTCTCTGCCCCTCAAAATTCTGAATCCCAAGCCCACGTTAGTGGAGGTGGTGA-3'
Protein context (NP_000170.1, residues 327-347): TSISSETKNT[Leu337Trp]RAFSAPQNSE